The following is an entry in ClinVar:

NM_000276.4(OCRL):c.1109G>T (p.Cys370Phe)

Gene: OCRL (OCRL inositol polyphosphate-5-phosphatase; plus strand). Cytogenetic location: Xq26.1.
Variant type: single nucleotide variant.
Coding change: c.1109G>T on transcript NM_000276.4 (MANE Select); coding-DNA position 1109, G replaced by T.
Protein change: p.Cys370Phe; replaces cysteine 370 with phenylalanine.
Molecular consequence: missense variant.
Genome position (GRCh38, 1-based): chrX:129,562,651, G>T. VCF-style: chrX-129562651-G-T. GRCh37 (hg19) VCF-style: chrX-128696628-G-T.
Other names: c.1112G>T, p.Cys371Phe (NM_001318784.2); c.1109G>T, p.Cys370Phe (NM_001587.4); short protein forms C370F, C371F.
Identifiers: ClinVar variation 3345680 (VCV003345680.1).

ClinVar aggregate classification (germline): Uncertain significance (0 of 4 stars; one submission).

Conditions:
OCRL-related disorder. Also called: OCRL-related condition.

Submission:

PreventionGenetics, part of Exact Sciences
Classification: Uncertain significance for OCRL-related condition. Last evaluated: 2024-07-28. Review status: no assertion criteria provided. Collection method: clinical testing. Allele origin: germline.
Comment: The OCRL c.1109G>T variant is predicted to result in the amino acid substitution p.Cys370Phe. To our knowledge, this variant has not been reported in the literature or in a large population database, indicating this variant is rare. Of note, most missense pathogenic variants have been mapped to the catalytic phosphatase domain of OCRL spanning exons 9-15 where this variant is located (Hichri et al. 2011. PubMed ID: 21031565). More specifically, missense variants at the neighboring codons, which are also rare in the general population, have been reported in patients with OCRL-related disorders (p.Ile371Thr in Zhang et al. 2022. PubMed ID: 35919034; p.Val372Gly and p.Asn373Tyr in Hichri et al. 2011. PubMed ID: 21031565), indicating this region is critical for the normal function of the protein. Although we suspect the c.1109G>T (p.Cys370Phe) variant could be pathogenic, at this time, the clinical significance of this variant is uncertain due to the absence of conclusive functional and genetic evidence.